The following is an entry in ClinVar:

ClinVar aggregate classification (germline): Uncertain significance (1 of 4 stars; one submission).

Conditions:
Fanconi anemia (FA). Also called: Fanconi's anemia. Identifiers: Orphanet 84, MedGen C0015625, MeSH D005199, MONDO:0019391.

Submission:

Labcorp Genetics (formerly Invitae), Labcorp
Classification: Uncertain significance for Fanconi anemia. Last evaluated: 2023-10-20. Review status: criteria provided, single submitter. Criteria: Invitae Variant Classification Sherloc (09022015). Collection method: clinical testing. Allele origin: germline.
Comment: This sequence change replaces alanine, which is neutral and non-polar, with glycine, which is neutral and non-polar, at codon 118 of the FANCA protein (p.Ala118Gly). This variant is not present in population databases (gnomAD no frequency). This variant has not been reported in the literature in individuals affected with FANCA-related conditions. ClinVar contains an entry for this variant (Variation ID: 2084282). Advanced modeling of protein sequence and biophysical properties (such as structural, functional, and spatial information, amino acid conservation, physicochemical variation, residue mobility, and thermodynamic stability) performed at Invitae indicates that this missense variant is expected to disrupt FANCA protein function. In summary, the available evidence is currently insufficient to determine the role of this variant in disease. Therefore, it has been classified as a Variant of Uncertain Significance.

NM_000135.4(FANCA):c.353C>G (p.Ala118Gly)

Gene: FANCA (FA complementation group A; minus strand). Cytogenetic location: 16q24.3.
Variant type: single nucleotide variant.
Coding change: c.353C>G on transcript NM_000135.4 (MANE Select); coding-DNA position 353, C replaced by G.
Protein change: p.Ala118Gly; replaces alanine 118 with glycine.
Molecular consequence: missense variant.
Genome position (GRCh38, 1-based): chr16:89,811,002, G>C on the plus strand (C>G on the coding strand, the complement: FANCA is on the minus strand). VCF-style: chr16-89811002-G-C. GRCh37 (hg19) VCF-style: chr16-89877410-G-C.
Other names: c.353C>G, p.Ala118Gly (NM_001018112.3, NM_001286167.3, NM_001351830.2); short protein forms A118G.
Identifiers: ClinVar variation 2084282 (VCV002084282.4), dbSNP rs1201642328, ClinGen allele CA397480989.
Genomic context (GRCh38, chr16:89,811,002, plus strand): 5'-GTCAGCAGCACAGGGTGACTGGTCTCCGCTGGAGCCGTGCAGATCTGTCCCACGCTAGAG[G>C]CAACCATCCCGGCTGAGAGAATACCCACGGGAACCCCCAGCCTTGAGGCTTGATCCTGCA-3'
Protein context (NP_000126.2, residues 108-128): PVGILSAGMV[Ala118Gly]SSVGQICTAP